The following is an entry in ClinVar:

NM_001369.3(DNAH5):c.13853C>T (p.Ala4618Val)

Gene: DNAH5 (dynein axonemal heavy chain 5; minus strand). Cytogenetic location: 5p15.2.
Variant type: single nucleotide variant.
Coding change: c.13853C>T on transcript NM_001369.3 (MANE Select); coding-DNA position 13853, C replaced by T.
Protein change: p.Ala4618Val; replaces alanine 4618 with valine.
Molecular consequence: missense variant.
Genome position (GRCh38, 1-based): chr5:13,692,006, G>A on the plus strand (C>T on the coding strand, the complement: DNAH5 is on the minus strand). VCF-style: chr5-13692006-G-A. GRCh37 (hg19) VCF-style: chr5-13692115-G-A.
Other names: short protein forms A4618V.
Identifiers: ClinVar variation 4752879 (VCV004752879.1).
Genomic context (GRCh38, chr5:13,692,006, plus strand): 5'-CATTTTCCAAAGCATTGGGTGGGGACACTCCCCACATGTTACTTGACATCACACAGAAGG[G>A]CAACCCCACGGAGCACCCAGTGTTCAGGGGTCTGGGCTGTCCTGAGATCCACAGCGGCAA-3'
Protein context (NP_001360.1, residues 4608-4624): TPEHWVLRGV[Ala4618Val]LLCDVK

ClinVar aggregate classification (germline): Uncertain significance (1 of 4 stars; one submission).

Conditions:
Primary ciliary dyskinesia. Also called: Ciliary dyskinesia. Identifiers: Orphanet 244, MedGen C0008780, MONDO:0016575, HP:0012265.

gnomAD v4.1: 30 of 1,613,960 alleles (0.0019%); highest among the groups gnomAD compares: Non-Finnish European, 0.0025%; no homozygotes.

Submission:

Labcorp Genetics (formerly Invitae), Labcorp
Classification: Uncertain significance for Primary ciliary dyskinesia. Last evaluated: 2026-01-01. Review status: criteria provided, single submitter. Criteria: Invitae Variant Classification Sherloc (09022015). Collection method: clinical testing. Allele origin: germline.
Comment: This sequence change replaces alanine, which is neutral and non-polar, with valine, which is neutral and non-polar, at codon 4618 of the DNAH5 protein (p.Ala4618Val). This variant is present in population databases (no rsID available, gnomAD 0.0009%). This variant has not been reported in the literature in individuals affected with DNAH5-related conditions. Invitae Evidence Modeling of protein sequence and biophysical properties (such as structural, functional, and spatial information, amino acid conservation, physicochemical variation, residue mobility, and thermodynamic stability) indicates that this missense variant is not expected to disrupt DNAH5 protein function with a negative predictive value of 95%. In summary, the available evidence is currently insufficient to determine the role of this variant in disease. Therefore, it has been classified as a Variant of Uncertain Significance.